The following is an entry in ClinVar:

NM_002693.3(POLG):c.2481-7C>T

Gene: POLG (DNA polymerase gamma, catalytic subunit; minus strand). Cytogenetic location: 15q26.1.
Variant type: single nucleotide variant.
Coding change: c.2481-7C>T on transcript NM_002693.3 (MANE Select); 7 bases into the intron before coding-DNA position 2481, C replaced by T.
Molecular consequence: intron variant.
Genome position (GRCh38, 1-based): chr15:89,321,860, G>A on the plus strand (C>T on the coding strand, the complement: POLG is on the minus strand). VCF-style: chr15-89321860-G-A. GRCh37 (hg19) VCF-style: chr15-89865091-G-A.
Other names: c.2481-7C>T (NM_001126131.2).
Identifiers: ClinVar variation 138747 (VCV000138747.84), dbSNP rs2307448, ClinGen allele CA292830.

ClinVar aggregate classification (germline): Conflicting classifications of pathogenicity. Review status: criteria provided, conflicting classifications (1 of 4 stars). 18 submissions from 18 submitters: Likely pathogenic (1); Uncertain significance (2); Benign (6); Likely benign (3). 6 of the submissions do not count toward it. Last evaluated 2026-09-01.

Conditions:
POLG-related disorder. Also called: POLG-related condition; POLG-Related Disorders; POLG-Related Spectrum Disorders. Identifiers: MedGen C4763519.
Paediatric disorders.
Hereditary spastic paraplegia. Also called: Familial spastic paraparesis. Identifiers: Orphanet 685, MedGen C0037773, MONDO:0019064. Disease mechanism: loss of function.
Progressive sclerosing poliodystrophy (MTDPS4A). Also called: Alpers-Huttenlocher Syndrome (AHS); NEURONAL DEGENERATION OF CHILDHOOD WITH LIVER DISEASE, PROGRESSIVE; ALPERS PROGRESSIVE INFANTILE POLIODYSTROPHY; Alpers Syndrome; Alpers-Huttenlocher Syndrome; ALPERS DIFFUSE DEGENERATION OF CEREBRAL GRAY MATTER WITH HEPATIC CIRRHOSIS. Identifiers: Orphanet 726, MedGen C0205710, MONDO:0008758, OMIM 203700.
Tip-toe gait. Also called: Toe walking. Identifiers: MedGen C0427144, HP:0030051.

Allele frequency attached by ClinVar (database versions not stated): 1000 Genomes Project 0.00080; 1000 Genomes Project 30x 0.00094; TOPMed 0.00270; gnomAD 0.00287 and 0.00307; ESP Exome Variant Server 0.00377.
gnomAD v4.1: 7,325 of 1,612,058 alleles (0.45%); highest among the groups gnomAD compares: Non-Finnish European, 0.58%; 22 homozygotes.

Submissions (18):

CeGaT Center for Human Genetics Tuebingen
Classification: Likely benign. Last evaluated: 2026-09-01. Review status: criteria provided, single submitter. Criteria: CeGaT Center For Human Genetics Tuebingen Variant Classification Criteria Version 2. Collection method: clinical testing. Allele origin: germline. Affected: yes. Observed: 96 variant alleles.
Comment: POLG: BP4, BS2

NHS Central & South Genomic Laboratory Hub
Classification: Uncertain significance for Paediatric disorders. Last evaluated: 2026-08-06. Review status: criteria provided, single submitter. Criteria: ACMG Guidelines, 2015. Collection method: clinical testing. Allele origin: germline. Affected: yes.

Labcorp Genetics (formerly Invitae), Labcorp
Classification: Benign for Progressive sclerosing poliodystrophy. Last evaluated: 2026-02-03. Review status: criteria provided, single submitter. Criteria: Invitae Variant Classification Sherloc (09022015). Collection method: clinical testing. Allele origin: germline.

Blueprint Genetics
Classification: Likely benign. Last evaluated: 2024-11-27. Review status: criteria provided, single submitter. Criteria: ACMG Guidelines, 2015. Collection method: clinical testing. Allele origin: germline.

Athena Diagnostics
Classification: Benign. Last evaluated: 2024-03-01. Review status: criteria provided, single submitter. Criteria: Athena Diagnostics Criteria. Collection method: clinical testing. Allele origin: unknown.

ARUP Laboratories, Molecular Genetics and Genomics, ARUP Laboratories
Classification: Benign. Last evaluated: 2023-11-03. Review status: criteria provided, single submitter. Criteria: ARUP Molecular Germline Variant Investigation Process 2024. Collection method: clinical testing. Allele origin: germline.

Women's Health and Genetics/Laboratory Corporation of America, LabCorp
Classification: Benign. Last evaluated: 2023-02-13. Review status: criteria provided, single submitter. Criteria: LabCorp Variant Classification Summary - May 2015. Collection method: clinical testing. Allele origin: germline.
Comment: Variant summary: POLG c.2481-7C>T alters a non-conserved nucleotide located close to a canonical splice site and therefore could affect mRNA splicing, leading to a significantly altered protein sequence. One computational tool predicts no significant impact on normal splicing. However, these predictions have yet to be confirmed by functional studies. The variant allele was found at a frequency of 0.0025 in 251400 control chromosomes, predominantly at a frequency of 0.0047 within the Non-Finnish European subpopulation in the gnomAD database. The observed variant frequency within Non-Finnish European control individuals in the gnomAD database is slightly higher than the estimated maximal expected allele frequency for a pathogenic variant in POLG causing Mitochondrial DNA Depletion Syndrome - POLG Related phenotype (0.0035), strongly suggesting that the variant is a benign polymorphism found primarily in populations of Non-Finnish European origin. Ten clinical diagnostic laboratories have submitted clinical-significance assessments for this variant to ClinVar after 2014 without evidence for independent evaluation. Multiple laboratories reported the variant with conflicting assessments (likely pathogenic n=1, benign/likely benign n=7, VUS n=2). Based on the evidence outlined above, the variant was classified as benign.

Genome Diagnostics Laboratory, The Hospital for Sick Children
Classification: Likely benign for Hereditary spastic paraplegia. Last evaluated: 2021-02-17. Review status: criteria provided, single submitter. Criteria: ACMG Guidelines, 2015. Collection method: clinical testing. Allele origin: germline. Affected: yes.

Practice for Gait Abnormalities, David Pomarino, Competency Network Toe Walking C/o Practice Pomarino
Classification: Likely pathogenic for Tip-toe gait. Last evaluated: 2021-02-03. Review status: criteria provided, single submitter. Criteria: ACMG Guidelines, 2015. Collection method: clinical testing. Allele origin: unknown. Affected: yes. Observed: 5 variant alleles, 5 heterozygotes. Clinical features observed: Pes cavus (HP:0001761).
Comment: We conducted a clinical examination of patients about toe walking. The POLG c.2481-7C>T was detected in 5 patients. We also examined a control group of children without toe walking (100 children). In this group this variant could not be identified. Hereditary motor sensory neuropathy (HMSN), also known as Charcot-Marie-Tooth Disease (CMT), is the most commonly inherited peripheral polyneuropathy. It constitutes a group of inherited, progressive, motor and sensory peripheral nerve disorders with properties of demyelination, axonal degeneration, or both. It is classified by clinical characteristics, modes of inheritance, electrophysiologic features, metabolic defects, and specific gene markers. Our patients all walk on tiptoe, so they show similar symptoms. When we genetically test them with our toe walking panel, we find that around 90 per cent of them have a genetic variant that explains their toe walking. These can be assigned, for example, to the area of myopathies (such as variants of the COL6A3 gene), the area of hereditary neuropathies (such as variants of the KMT2C gene) or the area of metabolic diseases (such as variants of the PYGM gene). In a smaller group of patients with almost identical symptoms, no abnormality is found in the genes of our panel, but spastic paraplegia can be detected. In another small group of our toe walkers, no abnormalities can be detected in the genes analysed in our toe walking panel, nor do they suffer from spastic paraplegia, as is also the case with healthy children. In contrast to these, however, they show a tiptoe gait. These patients suffer from infantile cerebral palsy, in which toe walking can also be observed.

Wong Mito Lab, Molecular and Human Genetics, Baylor College of Medicine
Classification: Benign for Progressive sclerosing poliodystrophy. Last evaluated: 2018-10-01. Review status: criteria provided, single submitter. Criteria: ACMG Guidelines, 2015. Collection method: clinical testing. Allele origin: germline.
Comment: The NM_002693.2:c.2481-7C>T (NP_002684.1:p.=) [GRCH38: NC_000015.10:g.89321860G>A] variant in POLG gene is interpretated to be a Benign based on ACMG guidelines (PMID: 25741868). This variant meets the following evidence codes reported in the ACMG-guideline. BS1:The minor allele frequency of this allele is high for Mitochondrial DNA depletion syndrome 4A (Alpers type). BS2:Observation of the variant in controls is inconsistent with penetrance of Mitochondrial DNA depletion syndrome 4A (Alpers type). BP4:Computational evidence/predictors indicate no impact on the POLG structure, function, or protein-protein interaction. Based on the evidence criteria codes applied, the variant is suggested to be Benign.

Eurofins Ntd Llc (ga)
Classification: Uncertain significance. Last evaluated: 2018-09-17. Review status: criteria provided, single submitter. Criteria: EGL ClinVar v180209 classification definitions. Collection method: clinical testing. Allele origin: germline. Observed: 18 variant alleles, 18 heterozygotes.

GeneDx
Classification: Benign. Last evaluated: 2013-01-18. Review status: criteria provided, single submitter. Criteria: GeneDx Variant Classification (06012015). Collection method: clinical testing. Allele origin: germline. Affected: yes.
Comment: This variant is considered likely benign or benign based on one or more of the following criteria: it is a conservative change, it occurs at a poorly conserved position in the protein, it is predicted to be benign by multiple in silico algorithms, and/or has population frequency not consistent with disease.

PreventionGenetics, part of Exact Sciences
Classification: Benign for POLG-related condition. Last evaluated: 2020-09-28. Review status: no assertion criteria provided. Collection method: clinical testing. Allele origin: germline. Not counted in ClinVar's aggregate classification.
Comment: This variant is classified as benign based on ACMG/AMP sequence variant interpretation guidelines (Richards et al. 2015 PMID: 25741868, with internal and published modifications).

Mayo Clinic Laboratories, Mayo Clinic
Classification: Likely benign. Last evaluated: 2016-02-24. Review status: no assertion criteria provided. Collection method: clinical testing. Allele origin: unknown. Not counted in ClinVar's aggregate classification.

Clinical Genetics DNA and cytogenetics Diagnostics Lab, Erasmus MC, Erasmus Medical Center
Classification: Likely benign. Review status: no assertion criteria provided. Collection method: clinical testing. Allele origin: germline. Affected: yes. Study: VKGL Data-share Consensus. Not counted in ClinVar's aggregate classification.

Genome Diagnostics Laboratory, University Medical Center Utrecht
Classification: Likely benign. Review status: no assertion criteria provided. Collection method: clinical testing. Allele origin: germline. Affected: yes. Study: VKGL Data-share Consensus. Not counted in ClinVar's aggregate classification.

Joint Genome Diagnostic Labs from Nijmegen and Maastricht, Radboudumc and MUMC+
Classification: Likely benign. Review status: no assertion criteria provided. Collection method: clinical testing. Allele origin: germline. Affected: yes. Study: VKGL Data-share Consensus. Not counted in ClinVar's aggregate classification.

Laboratory of Diagnostic Genome Analysis, Leiden University Medical Center (LUMC)
Classification: Likely benign. Review status: no assertion criteria provided. Collection method: clinical testing. Allele origin: germline. Affected: yes. Study: VKGL Data-share Consensus. Not counted in ClinVar's aggregate classification.

Literature cited by the submitters: PubMed 37091313 (cited by Practice for Gait Abnormalities, David Pomarino, Competency Network Toe Walking C/o Practice Pomarino).